The following is an entry in ClinVar:

NM_000219.6(KCNE1):c.9G>T (p.Leu3=)

Gene: KCNE1 (potassium voltage-gated channel subfamily E regulatory subunit 1; minus strand). Cytogenetic location: 21q22.12.
Variant type: single nucleotide variant.
Coding change: c.9G>T on transcript NM_000219.6 (MANE Select); coding-DNA position 9, G replaced by T.
Protein change: p.Leu3=; no amino-acid change (leucine 3 retained).
Molecular consequence: synonymous variant.
Genome position (GRCh38, 1-based): chr21:34,449,626, C>A on the plus strand (G>T on the coding strand, the complement: KCNE1 is on the minus strand). VCF-style: chr21-34449626-C-A. GRCh37 (hg19) VCF-style: chr21-35821924-C-A.
Other names: c.9G>T, p.Leu3= (NM_001127668.4, NM_001127669.4, NM_001127670.4 and 4 more transcripts).
Identifiers: ClinVar variation 3374027 (VCV003374027.2).

Conditions:
Long QT syndrome 5 (LQT5). Identifiers: Orphanet 101016, Orphanet 768, MedGen C1867904, MONDO:0013372, OMIM 613695.

Submission:

Roden Lab, Vanderbilt University Medical Center
No classification provided (evidence only). Condition: Long QT syndrome 5. Review status: no classification provided. Collection method: in vitro. Allele origin: not applicable. Functional consequence: Effect on ion channel function.
ClinVar note: "not provided" was previously submitted as the classification for the variant. However, the classification appeared to be based only on an observation of functional data so it was converted to no classification on 2025-07-30.